The following is an entry in ClinVar:

ClinVar aggregate classification (germline): Uncertain significance (1 of 4 stars; one submission).

Conditions:
Hypertrophic cardiomyopathy. Also called: HYPERTROPHIC MYOCARDIOPATHY. Identifiers: Orphanet 217569, MedGen C0007194, MeSH D002312, MONDO:0005045, HP:0001639.

gnomAD v4.1: 44 of 1,613,810 alleles (0.0027%); highest among the groups gnomAD compares: Non-Finnish European, 0.0036%; no homozygotes.

Submission:

Molecular Genetics, Royal Melbourne Hospital
Classification: Uncertain significance for Hypertrophic cardiomyopathy. Last evaluated: 2023-11-05. Review status: criteria provided, single submitter. Criteria: ACMG Guidelines, 2015. Collection method: clinical testing. Allele origin: germline. Inheritance: Autosomal dominant inheritance. Affected: yes.
Comment: This sequence change in FHOD3 is predicted to replace alanine with valine at codon 1284, p.(Ala1284Val). The alanine residue is highly conserved (100 vertebrates, UCSC), and is located in the FH2 domain. There is a moderate physicochemical difference between alanine and valine. The highest population minor allele frequency in the population database gnomAD v3.1 is 0.003% (3/113,664 alleles) in the European (non-Finnish) population, which is consistent with hypertrophic cardiomyopathy. To our knowledge, this variant has not been previously reported in the relevant scientific literature or databases. Computational evidence is uninformative for the missense substitution (REVEL = 0.507). Based on the classification scheme RMH Modified ACMG/AMP Guidelines v1.6.1, this variant is classified as a VARIANT OF UNCERTAIN SIGNIFICANCE. Following criteria are met: PM2_Supporting.

NM_001281740.3(FHOD3):c.3851C>T (p.Ala1284Val)

Gene: FHOD3 (formin homology 2 domain containing 3; plus strand). Cytogenetic location: 18q12.2.
Variant type: single nucleotide variant.
Coding change: c.3851C>T on transcript NM_001281740.3 (MANE Select); coding-DNA position 3851, C replaced by T.
Protein change: p.Ala1284Val; replaces alanine 1284 with valine.
Molecular consequence: missense variant.
Genome position (GRCh38, 1-based): chr18:36,742,828, C>T. VCF-style: chr18-36742828-C-T. GRCh37 (hg19) VCF-style: chr18-34322791-C-T.
Other names: c.3275C>T, p.Ala1092Val (NM_001281739.3); c.3326C>T, p.Ala1109Val (NM_025135.5); short protein forms A1092V, A1109V, A1284V.
Identifiers: ClinVar variation 3068700 (VCV003068700.1), dbSNP rs746712580, ClinGen allele CA8942202.